The following is an entry in ClinVar:

ClinVar aggregate classification (germline): Benign. Review status: criteria provided, multiple submitters, no conflicts (2 of 4 stars). 3 submissions from 3 submitters: Benign (3). Last evaluated 2019-10-29.

Conditions:
Autosomal dominant nocturnal frontal lobe epilepsy 4. Also called: EPILEPSY, FAMILIAL, WITH NOCTURNAL WANDERING AND ICTAL FEAR; CHRNA2-Related Nocturnal Frontal Lobe Epilepsy, Autosomal Dominant. Identifiers: Orphanet 98784, MedGen C1835905, MONDO:0012474, OMIM 610353.

Allele frequency attached by ClinVar (database versions not stated): 1000 Genomes Project 0.10663; 1000 Genomes Project 30x 0.10821; gnomAD 0.15638 and 0.15796; gnomAD exomes 0.20397.
gnomAD v4.1: 23,327 of 149,124 alleles (16%); highest among the groups gnomAD compares: Non-Finnish European, 20%; 2,263 homozygotes.

Submissions (3):

GeneDx
Classification: Benign. Last evaluated: 2019-10-29. Review status: criteria provided, single submitter. Criteria: GeneDx Variant Classification Process June 2021. Collection method: clinical testing. Allele origin: germline. Affected: yes.

Illumina Laboratory Services, Illumina
Classification: Benign for Autosomal dominant nocturnal frontal lobe epilepsy 4. Last evaluated: 2018-01-12. Review status: criteria provided, single submitter. Criteria: ICSL Variant Classification Criteria 13 December 2019. Collection method: clinical testing. Allele origin: germline.
Comment: This variant was observed in the ICSL laboratory as part of a predisposition screen in an ostensibly healthy population. It had not been previously curated by ICSL or reported in the Human Gene Mutation Database (HGMD: prior to June 1st, 2018), and was therefore a candidate for classification through an automated scoring system. Utilizing variant allele frequency, disease prevalence and penetrance estimates, and inheritance mode, an automated score was calculated to assess if this variant is too frequent to cause the disease. Based on the score and internal cut-off values, a variant classified as benign is not then subjected to further curation. The score for this variant resulted in a classification of benign for this disease.

Breakthrough Genomics
Classification: Benign. Review status: criteria provided, single submitter. Criteria: ACMG Guidelines, 2015. Collection method: not provided. Allele origin: germline. Inheritance: Autosomal dominant inheritance. Affected: yes.

NM_000742.4(CHRNA2):c.-563T>A

Gene: CHRNA2 (cholinergic receptor nicotinic alpha 2 subunit; minus strand). Cytogenetic location: 8p21.2.
Variant type: single nucleotide variant.
Coding change: c.-563T>A on transcript NM_000742.4 (MANE Select); 563 bases upstream of the start codon, T replaced by A.
Molecular consequence: 5 prime UTR variant.
Genome position (GRCh38, 1-based): chr8:27,479,250, A>T on the plus strand (T>A on the coding strand, the complement: CHRNA2 is on the minus strand). VCF-style: chr8-27479250-A-T. GRCh37 (hg19) VCF-style: chr8-27336767-A-T.
Other names: c.-1036T>A (NM_001347707.2); c.-1024T>A (NM_001347708.2); c.-563T>A (NM_001282455.2); c.-990T>A (NM_001347705.2); c.-1035T>A (NM_001347706.2).
Identifiers: ClinVar variation 362716 (VCV000362716.7), dbSNP rs2565060, ClinGen allele CA10630842.